The following is an entry in ClinVar:

NM_000342.4(SLC4A1):c.494G>A (p.Gly165Glu)

Gene: SLC4A1 (solute carrier family 4 member 1 (Diego blood group); minus strand). Cytogenetic location: 17q21.31.
Variant type: single nucleotide variant.
Coding change: c.494G>A on transcript NM_000342.4 (MANE Select); coding-DNA position 494, G replaced by A.
Protein change: p.Gly165Glu; replaces glycine 165 with glutamic acid.
Molecular consequence: missense variant.
Genome position (GRCh38, 1-based): chr17:44,259,924, C>T on the plus strand (G>A on the coding strand, the complement: SLC4A1 is on the minus strand). VCF-style: chr17-44259924-C-T. GRCh37 (hg19) VCF-style: chr17-42337292-C-T.
Other names: short protein forms G165E.
Identifiers: ClinVar variation 1717946 (VCV001717946.5), dbSNP rs2509969837, ClinGen allele CA399794152.

ClinVar aggregate classification (germline): Uncertain significance (1 of 4 stars; one submission).

Submission:

Labcorp Genetics (formerly Invitae), Labcorp
Classification: Uncertain significance. Last evaluated: 2022-08-24. Review status: criteria provided, single submitter. Criteria: Invitae Variant Classification Sherloc (09022015). Collection method: clinical testing. Allele origin: germline.
Comment: This variant has not been reported in the literature in individuals affected with SLC4A1-related conditions. In summary, the available evidence is currently insufficient to determine the role of this variant in disease. Therefore, it has been classified as a Variant of Uncertain Significance. Algorithms developed to predict the effect of missense changes on protein structure and function output the following: SIFT: "Tolerated"; PolyPhen-2: "Benign"; Align-GVGD: "Class C0". The glutamic acid amino acid residue is found in multiple mammalian species, which suggests that this missense change does not adversely affect protein function. This variant is not present in population databases (gnomAD no frequency). This sequence change replaces glycine, which is neutral and non-polar, with glutamic acid, which is acidic and polar, at codon 165 of the SLC4A1 protein (p.Gly165Glu).